The following is an entry in ClinVar:

NM_000092.5(COL4A4):c.3581T>C (p.Leu1194Ser)

Gene: COL4A4 (collagen type IV alpha 4 chain; minus strand). Cytogenetic location: 2q36.3.
Variant type: single nucleotide variant.
Coding change: c.3581T>C on transcript NM_000092.5 (MANE Select); coding-DNA position 3581, T replaced by C.
Protein change: p.Leu1194Ser; replaces leucine 1194 with serine.
Molecular consequence: missense variant.
Genome position (GRCh38, 1-based): chr2:227,032,273, A>G on the plus strand (T>C on the coding strand, the complement: COL4A4 is on the minus strand). VCF-style: chr2-227032273-A-G. GRCh37 (hg19) VCF-style: chr2-227896989-A-G.
Other names: p.Leu1194Ser; short protein forms L1194S.
Identifiers: ClinVar variation 870371 (VCV000870371.14), dbSNP rs554736387, ClinGen allele CA2144479.

ClinVar aggregate classification (germline): Conflicting classifications of pathogenicity. Review status: criteria provided, conflicting classifications (1 of 4 stars). 6 submissions from 6 submitters: Uncertain significance (3); Likely benign (3). Last evaluated 2026-01-26.

Conditions:
COL4A4-related disorder.
Autosomal recessive Alport syndrome (ATS2). Also called: COL4A4 Alport Syndrome and Thin Basement Membrane Nephropathy; ALPORT SYNDROME 2, AUTOSOMAL RECESSIVE; Alport syndrome type 2; COL4A3-Related Nephropathy. Identifiers: Orphanet 63, Orphanet 88919, MedGen C4746745, MONDO:0008762, OMIM 203780.

Allele frequency attached by ClinVar (database versions not stated): gnomAD 0.00001 and 0.00009; TOPMed 0.00002; gnomAD exomes 0.00011 and 0.00030; ExAC 0.00035; 1000 Genomes Project 30x 0.00094; 1000 Genomes Project 0.00100.
gnomAD v4.1: 191 of 1,613,596 alleles (0.012%); highest among the groups gnomAD compares: South Asian, 0.19%; 3 homozygotes.

Submissions (6):

Labcorp Genetics (formerly Invitae), Labcorp
Classification: Likely benign. Last evaluated: 2026-01-26. Review status: criteria provided, single submitter. Criteria: Invitae Variant Classification Sherloc (09022015). Collection method: clinical testing. Allele origin: germline.

Mayo Clinic Laboratories, Mayo Clinic
Classification: Uncertain significance. Last evaluated: 2025-01-31. Review status: criteria provided, single submitter. Criteria: ACMG Guidelines, 2015. Collection method: clinical testing. Allele origin: germline. Observed: 1 variant allele.
Comment: BP4

PreventionGenetics, part of Exact Sciences
Classification: Likely benign for COL4A4-related condition. Last evaluated: 2025-01-04. Review status: criteria provided, single submitter. Criteria: ACMG Guidelines, 2015. Collection method: clinical testing. Allele origin: germline.
Comment: This variant is classified as likely benign based on ACMG/AMP sequence variant interpretation guidelines (Richards et al. 2015 PMID: 25741868, with internal and published modifications).

GeneDx
Classification: Likely benign. Last evaluated: 2020-09-22. Review status: criteria provided, single submitter. Criteria: GeneDx Variant Classification Process June 2021. Collection method: clinical testing. Allele origin: germline. Affected: yes.
Comment: See Variant Classification Assertion Criteria.

Baylor Genetics
Classification: Uncertain significance for Autosomal recessive Alport syndrome. Last evaluated: 2020-07-16. Review status: criteria provided, single submitter. Criteria: ACMG Guidelines, 2015. Collection method: clinical testing. Allele origin: unknown. Affected: yes.
Comment: This variant was determined to be of uncertain significance according to ACMG Guidelines, 2015 [PMID:25741868].

Medical Genetics, University of Parma
Classification: Uncertain significance for Autosomal recessive Alport syndrome. Last evaluated: 2020-03-11. Review status: criteria provided, single submitter. Criteria: ACMG Guidelines, 2015. Collection method: clinical testing. Allele origin: germline. Affected: yes.

Literature cited by the submitters: PubMed 33369211 (cited by Mayo Clinic Laboratories, Mayo Clinic).